The following is an entry in ClinVar:

NM_018486.3(HDAC8):c.1117C>A (p.Leu373Met)

Gene: HDAC8 (histone deacetylase 8; minus strand). Cytogenetic location: Xq13.1.
Variant type: single nucleotide variant.
Coding change: c.1117C>A on transcript NM_018486.3 (MANE Select); coding-DNA position 1117, C replaced by A.
Protein change: p.Leu373Met; replaces leucine 373 with methionine.
Molecular consequence: missense variant. On other transcripts: non-coding transcript variant (1).
Genome position (GRCh38, 1-based): chrX:72,330,071, G>T on the plus strand (C>A on the coding strand, the complement: HDAC8 is on the minus strand). VCF-style: chrX-72330071-G-T. GRCh37 (hg19) VCF-style: chrX-71549921-G-T.
Other names: c.844C>A, p.Leu282Met (NM_001166418.2); c.1195C>A, p.Leu399Met (NM_001410725.1); c.1039C>A, p.Leu347Met (NM_001410727.1); c.922C>A, p.Leu308Met (NM_001410728.1); short protein forms L347M, L399M, L373M, L282M, L308M.
Identifiers: ClinVar variation 2814237 (VCV002814237.3), dbSNP rs1187867472, ClinGen allele CA413638295.

ClinVar aggregate classification (germline): Uncertain significance (1 of 4 stars; one submission).

Conditions:
Cornelia de Lange syndrome 5 (CDLS5). Also called: HDAC8-Related Cornelia de Lange Syndrome. Identifiers: Orphanet 199, MedGen C3550903, MONDO:0010471, OMIM 300882.

Allele frequency attached by ClinVar (database versions not stated): gnomAD exomes below 0.00001; gnomAD 0.00001; TOPMed 0.00001.
gnomAD v4.1: 3 of 1,205,163 alleles (0.00025%); highest among the groups gnomAD compares: Admixed American, 0.0022%; no homozygotes.

Submission:

Labcorp Genetics (formerly Invitae), Labcorp
Classification: Uncertain significance for Cornelia de Lange syndrome 5. Last evaluated: 2024-12-02. Review status: criteria provided, single submitter. Criteria: Invitae Variant Classification Sherloc (09022015). Collection method: clinical testing. Allele origin: germline.
Comment: This sequence change replaces leucine, which is neutral and non-polar, with methionine, which is neutral and non-polar, at codon 373 of the HDAC8 protein (p.Leu373Met). This variant is present in population databases (no rsID available, gnomAD 0.006%). This variant has not been reported in the literature in individuals affected with HDAC8-related conditions. ClinVar contains an entry for this variant (Variation ID: 2814237). Invitae Evidence Modeling of protein sequence and biophysical properties (such as structural, functional, and spatial information, amino acid conservation, physicochemical variation, residue mobility, and thermodynamic stability) indicates that this missense variant is not expected to disrupt HDAC8 protein function with a negative predictive value of 95%. In summary, the available evidence is currently insufficient to determine the role of this variant in disease. Therefore, it has been classified as a Variant of Uncertain Significance.